The following is an entry in ClinVar:

NM_006225.4(PLCD1):c.1483del (p.Met495fs)

Gene: PLCD1 (phospholipase C delta 1; minus strand). Cytogenetic location: 3p22.2.
Variant type: Deletion.
Coding change: c.1483del on transcript NM_006225.4 (MANE Select); coding-DNA position 1483, one base deleted (A; older notation c.1483delA).
Protein change: p.Met495fs; shifts the reading frame from methionine 495.
Molecular consequence: frameshift variant. On other transcripts: non-coding transcript variant (1).
Genome position (GRCh38, 1-based): chr3:38,009,395, T deleted on the plus strand (A on the coding strand, the reverse complement: PLCD1 is on the minus strand). VCF-style (leftmost placement, unchanged base first): chr3-38009394-AT-A. GRCh37 (hg19) VCF-style: chr3-38050885-AT-A.
Other names: c.1546del, p.Met516fs (NM_001130964.2); short protein forms M495fs, M516fs.
Identifiers: ClinVar variation 2635865 (VCV002635865.1), dbSNP rs760879574, ClinGen allele CA2313029.

ClinVar aggregate classification (germline): Likely pathogenic (1 of 4 stars; one submission).

Conditions:
PLCD1-related disorder. Also called: PLCD1-related condition.

Allele frequency attached by ClinVar (database versions not stated): gnomAD 0.00001; gnomAD exomes 0.00001; ExAC 0.00002; TOPMed 0.00003.

Submission:

PreventionGenetics, part of Exact Sciences
Classification: Likely pathogenic for PLCD1-related condition. Last evaluated: 2022-11-09. Review status: criteria provided, single submitter. Criteria: ACMG Guidelines, 2015. Collection method: clinical testing. Allele origin: germline.
Comment: The PLCD1 c.1546delA variant is predicted to result in a frameshift and premature protein termination (p.Met516Trpfs*53). To our knowledge, this variant has not been reported in the literature. This variant is reported in 0.0087% of alleles in individuals of Latino descent in gnomAD. Frameshift variants in PLCD1 are expected to be pathogenic. This variant is interpreted as likely pathogenic.